The following is an entry in ClinVar:

NM_001382567.1(STIM1):c.1777G>C (p.Gly593Arg)

Gene: STIM1 (stromal interaction molecule 1; plus strand). Cytogenetic location: 11p15.4.
Variant type: single nucleotide variant.
Coding change: c.1777G>C on transcript NM_001382567.1 (MANE Select); coding-DNA position 1777, G replaced by C.
Protein change: p.Gly593Arg; replaces glycine 593 with arginine.
Molecular consequence: missense variant. On other transcripts: 3 prime UTR variant (4), non-coding transcript variant (3).
Genome position (GRCh38, 1-based): chr11:4,091,424, G>C. VCF-style: chr11-4091424-G-C. GRCh37 (hg19) VCF-style: chr11-4112654-G-C.
Other names: c.2002G>C, p.Gly668Arg (NM_001277961.3); c.*98G>C (NM_001277962.2, NM_001382578.1, NM_001382579.1 and 1 more transcripts); c.1780G>C, p.Gly594Arg (NM_001382566.1); c.1705G>C, p.Gly569Arg (NM_001382568.1); c.1549G>C, p.Gly517Arg (NM_001382569.1); c.1456G>C, p.Gly486Arg (NM_001382570.1); c.1204G>C, p.Gly402Arg (NM_001382571.1); c.1462G>C, p.Gly488Arg (NM_001382575.1, NM_001382576.1, NM_001382577.1); and 2 more; short protein forms G399R, G402R, G486R, G488R, G517R, G562R, G569R, G593R.
Identifiers: ClinVar variation 3754284 (VCV003754284.2).

ClinVar aggregate classification (germline): Uncertain significance (1 of 4 stars; one submission).

Conditions:
Stormorken syndrome (STRMK). Also called: THROMBOCYTOPATHY, ASPLENIA, AND MIOSIS. Identifiers: Orphanet 3204, MedGen C1861451, MONDO:0008497, OMIM 185070.
Combined immunodeficiency due to STIM1 deficiency. Also called: IMMUNODEFICIENCY 10; STIM1 DEFICIENCY. Identifiers: Orphanet 169090, Orphanet 317430, MedGen C2748557, MONDO:0013008, OMIM 612783.
Myopathy with tubular aggregates (TAM). Also called: Tubular Aggregate Myopathy. Identifiers: Orphanet 2593, MedGen C0410207, MONDO:0008051.

Submission:

Labcorp Genetics (formerly Invitae), Labcorp
Classification: Uncertain significance for Myopathy with tubular aggregates; Combined immunodeficiency due to STIM1 deficiency; Stormorken syndrome. Last evaluated: 2025-11-01. Review status: criteria provided, single submitter. Criteria: Invitae Variant Classification Sherloc (09022015). Collection method: clinical testing. Allele origin: germline.
Comment: This sequence change replaces glycine, which is neutral and non-polar, with arginine, which is basic and polar, at codon 562 of the STIM1 protein (p.Gly562Arg). This variant is not present in population databases (gnomAD no frequency). This variant has not been reported in the literature in individuals affected with STIM1-related conditions. ClinVar contains an entry for this variant (Variation ID: 3754284). Invitae Evidence Modeling of protein sequence and biophysical properties (such as structural, functional, and spatial information, amino acid conservation, physicochemical variation, residue mobility, and thermodynamic stability) has been performed for this missense variant. However, the output from this modeling did not meet the statistical confidence thresholds required to predict the impact of this variant on STIM1 protein function. In summary, the available evidence is currently insufficient to determine the role of this variant in disease. Therefore, it has been classified as a Variant of Uncertain Significance.